The following is an entry in ClinVar:

NM_005060.4(RORC):c.1358A>T (p.His453Leu)

Gene: RORC (RAR related orphan receptor C; minus strand). Cytogenetic location: 1q21.3.
Variant type: single nucleotide variant.
Coding change: c.1358A>T on transcript NM_005060.4 (MANE Select); coding-DNA position 1358, A replaced by T.
Protein change: p.His453Leu; replaces histidine 453 with leucine.
Molecular consequence: missense variant.
Genome position (GRCh38, 1-based): chr1:151,811,362, T>A on the plus strand (A>T on the coding strand, the complement: RORC is on the minus strand). VCF-style: chr1-151811362-T-A. GRCh37 (hg19) VCF-style: chr1-151783838-T-A.
Other names: c.1295A>T, p.His432Leu (NM_001001523.2); short protein forms H432L, H453L.
Identifiers: ClinVar variation 834693 (VCV000834693.9), dbSNP rs200283675, ClinGen allele CA1095681.

ClinVar aggregate classification (germline): Uncertain significance (1 of 4 stars; one submission).

Conditions:
Autosomal recessive mendelian susceptibility to mycobacterial diseases due to complete RORgamma receptor deficiency. Also called: Immunodeficiency 42. Identifiers: Orphanet 477857, MedGen C5567647, MONDO:0014710, OMIM 616622.

Allele frequency attached by ClinVar (database versions not stated): TOPMed 0.00001; gnomAD 0.00002; ExAC 0.00004; ESP Exome Variant Server 0.00008.

Submission:

Labcorp Genetics (formerly Invitae), Labcorp
Classification: Uncertain significance for Autosomal recessive mendelian susceptibility to mycobacterial diseases due to complete RORgamma receptor deficiency. Last evaluated: 2023-10-08. Review status: criteria provided, single submitter. Criteria: Invitae Variant Classification Sherloc (09022015). Collection method: clinical testing. Allele origin: germline.
Comment: This sequence change replaces histidine, which is basic and polar, with leucine, which is neutral and non-polar, at codon 453 of the RORC protein (p.His453Leu). This variant is present in population databases (rs200283675, gnomAD 0.006%). This variant has not been reported in the literature in individuals affected with RORC-related conditions. ClinVar contains an entry for this variant (Variation ID: 834693). Algorithms developed to predict the effect of missense changes on protein structure and function output the following: SIFT: "Not Available"; PolyPhen-2: "Benign"; Align-GVGD: "Not Available". The leucine amino acid residue is found in multiple mammalian species, which suggests that this missense change does not adversely affect protein function. In summary, the available evidence is currently insufficient to determine the role of this variant in disease. Therefore, it has been classified as a Variant of Uncertain Significance.